The following is an entry in ClinVar:

ClinVar aggregate classification (germline): Uncertain significance (1 of 4 stars; one submission).

Submission:

GeneDx
Classification: Uncertain significance. Last evaluated: 2024-02-12. Review status: criteria provided, single submitter. Criteria: GeneDx Variant Classification Process June 2021. Collection method: clinical testing. Allele origin: germline. Affected: yes.
Comment: Not observed at significant frequency in large population cohorts (gnomAD); In silico analysis supports that this missense variant has a deleterious effect on protein structure/function; Has not been previously published as pathogenic or benign to our knowledge

NM_004560.4(ROR2):c.536G>T (p.Gly179Val)

Gene: ROR2 (receptor tyrosine kinase like orphan receptor 2; minus strand). Cytogenetic location: 9q22.31.
Variant type: single nucleotide variant.
Coding change: c.536G>T on transcript NM_004560.4 (MANE Select); coding-DNA position 536, G replaced by T.
Protein change: p.Gly179Val; replaces glycine 179 with valine.
Molecular consequence: missense variant.
Genome position (GRCh38, 1-based): chr9:91,737,477, C>A on the plus strand (G>T on the coding strand, the complement: ROR2 is on the minus strand). VCF-style: chr9-91737477-C-A. GRCh37 (hg19) VCF-style: chr9-94499759-C-A.
Other names: c.536G>T, p.Gly179Val (NM_001318204.2); short protein forms G179V.
Identifiers: ClinVar variation 1700414 (VCV001700414.3), dbSNP rs1825071241, ClinGen allele CA373802055.